The following is an entry in ClinVar:

NM_001164508.2(NEB):c.5836G>A (p.Glu1946Lys)

Gene: NEB (nebulin; minus strand). Cytogenetic location: 2q23.3.
Variant type: single nucleotide variant.
Coding change: c.5836G>A on transcript NM_001164508.2 (MANE Select); coding-DNA position 5836, G replaced by A.
Protein change: p.Glu1946Lys; replaces glutamic acid 1946 with lysine.
Molecular consequence: missense variant.
Genome position (GRCh38, 1-based): chr2:151,662,269, C>T on the plus strand (G>A on the coding strand, the complement: NEB is on the minus strand). VCF-style: chr2-151662269-C-T. GRCh37 (hg19) VCF-style: chr2-152518783-C-T.
Other names: c.5836G>A, p.Glu1946Lys (NM_001164507.2, NM_001271208.2, NM_004543.5); short protein forms E1946K.
Identifiers: ClinVar variation 2814362 (VCV002814362.3), dbSNP rs2552255566, ClinGen allele CA348806387.
Genomic context (GRCh38, chr2:151,662,269, plus strand): 5'-TGTCTGGGTGCTGGCGGTACTTCTTTTCACTAATAATCTCCATGGCTTTCTTGTTTTTCT[C>T]TGCTTCCAGGGAGCCCAGAGGGAGCCATCCAATGCCCTTCATGAAGTCAGCATAGTCAGC-3'
Protein context (NP_001157980.2, residues 1936-1956): GWLPLGSLEA[Glu1946Lys]KNKKAMEIIS

ClinVar aggregate classification (germline): Uncertain significance (1 of 4 stars; one submission).

Conditions:
Nemaline myopathy 2 (NEM2). Also called: Nemaline myopathy 2, autosomal recessive. Identifiers: MedGen C1850569, MONDO:0009725, OMIM 256030.

Submission:

Labcorp Genetics (formerly Invitae), Labcorp
Classification: Uncertain significance for Nemaline myopathy 2. Last evaluated: 2022-12-28. Review status: criteria provided, single submitter. Criteria: Invitae Variant Classification Sherloc (09022015). Collection method: clinical testing. Allele origin: germline.
Comment: This variant has not been reported in the literature in individuals affected with NEB-related conditions. In summary, the available evidence is currently insufficient to determine the role of this variant in disease. Therefore, it has been classified as a Variant of Uncertain Significance. Algorithms developed to predict the effect of missense changes on protein structure and function are either unavailable or do not agree on the potential impact of this missense change (SIFT: "Deleterious"; PolyPhen-2: "Not Available"; Align-GVGD: "Class C0"). This variant is not present in population databases (gnomAD no frequency). This sequence change replaces glutamic acid, which is acidic and polar, with lysine, which is basic and polar, at codon 1946 of the NEB protein (p.Glu1946Lys).